The following is an entry in ClinVar:

NM_006715.4(MAN2C1):c.2737+1del

Genes: MAN2C1 (mannosidase alpha class 2C member 1; minus strand), NEIL1 (nei like DNA glycosylase 1; plus strand). Cytogenetic location: 15q24.2.
Variant type: Deletion.
Coding change: c.2737+1del on transcript NM_006715.4 (MANE Select); the canonical splice donor site of the intron after coding-DNA position 2737, one base deleted (G; older notation c.2737+1delG).
Molecular consequence: splice donor variant. On other transcripts: 3 prime UTR variant (2), non-coding transcript variant (1).
Genome position (GRCh38, 1-based): chr15:75,356,605, C deleted on the plus strand (G on the coding strand, the reverse complement: MAN2C1 is on the minus strand); the first of 3 consecutive C bases (chr15:75,356,605-75,356,607); deleting any one gives the same sequence. VCF-style (leftmost placement, unchanged base first): chr15-75356604-AC-A. GRCh37 (hg19) VCF-style: chr15-75648945-AC-A.
Other names: c.*1573del (NM_001352520.2, NM_024608.4); c.2440+1del (NM_001256496.2); c.2737+1del (NM_001256495.2); c.2788+1del (NM_001256494.2).
Identifiers: ClinVar variation 4854459 (VCV004854459.1).

ClinVar aggregate classification (germline): Likely pathogenic (1 of 4 stars; one submission).

Conditions:
Congenital disorder of deglycosylation 2 (CDDG2). Identifiers: MedGen C5676931, MONDO:0030770, OMIM 619775.

Submission:

3billion
Classification: Likely pathogenic for Congenital disorder of deglycosylation 2. Last evaluated: 2025-08-20. Review status: criteria provided, single submitter. Criteria: ACMG Guidelines, 2015. Collection method: clinical testing. Allele origin: germline. Affected: yes.
Comment: The variant is not observed in the gnomAD v4.1.0 dataset. Predicted Consequence/Location: Canonical splice site: predicted to alter splicing and result in a loss or disruption of normal protein function. Multiple pathogenic loss-of-function variants are reported downstream of the variant. Therefore, this variant is classified as Likely pathogenic according to the recommendation of ACMG/AMP guideline.